The following is an entry in ClinVar:

NM_001039591.3(USP9X):c.3467A>T (p.Lys1156Met)

Gene: USP9X (ubiquitin specific peptidase 9 X-linked; plus strand). Cytogenetic location: Xp11.4.
Variant type: single nucleotide variant.
Coding change: c.3467A>T on transcript NM_001039591.3 (MANE Select); coding-DNA position 3467, A replaced by T.
Protein change: p.Lys1156Met; replaces lysine 1156 with methionine.
Molecular consequence: missense variant.
Genome position (GRCh38, 1-based): chrX:41,184,584, A>T. VCF-style: chrX-41184584-A-T. GRCh37 (hg19) VCF-style: chrX-41043837-A-T.
Other names: c.3467A>T, p.Lys1156Met (NM_001039590.3); c.3482A>T, p.Lys1161Met (NM_001410748.1, NM_001410749.1, NM_001437534.1); short protein forms K1156M, K1161M.
Identifiers: ClinVar variation 4819047 (VCV004819047.1).

ClinVar aggregate classification (germline): Uncertain significance (1 of 4 stars; one submission).

Conditions:
Intellectual developmental disorder, X-linked 99, syndromic, female-restricted. Also called: Intellectual disability, X-linked 99, syndromic, female-restricted. Identifiers: MedGen C4225416, MONDO:0010502, OMIM 300968.

Submission:

Victorian Clinical Genetics Services, Murdoch Childrens Research Institute
Classification: Uncertain significance for Intellectual developmental disorder, X-linked 99, syndromic, female-restricted. Last evaluated: 2025-11-26. Review status: criteria provided, single submitter. Criteria: ACMG Guidelines, 2015. Collection method: clinical testing. Allele origin: germline. Affected: yes.
Comment: This variant is classified as VUS-3B. Evidence in support of pathogenic classification: Variant is absent from gnomAD (v2, v3 and v4). Additional information: Variant is predicted to result in a missense amino acid change from Lys to Met; This variant is heterozygous; This gene is associated with both X-linked recessive and X-linked dominant disease. Partial loss of function variants are inherited in a X-linked recessive pattern, affecting predominantly males. Complete loss of function variants are inherited in a X-linked dominant pattern and are more severe, affecting only females (PMID: 31443933, 26833328); Alternative amino acid change(s) at the same position are present in gnomAD (highest allele count: v4: 1 heterozygote(s), 0 homozygote(s)); This variant has no previous evidence of pathogenicity; No published evidence of segregation with disease has been identified for this variant; No published functional evidence has been identified for this variant; No comparable missense variants have previous evidence for pathogenicity; Variant is not located in an established domain, motif, hotspot or informative constraint region; Missense variant with inconclusive in silico prediction and/or uninformative conservation; Loss of function is a known mechanism of disease in this gene and is associated with X-linked intellectual developmental disorder 99 (MIM#300919) and X-linked syndromic female-restricted intellectual developmental disorder 99 (MIM#300968); The condition associated with this gene has incomplete penetrance. Affected females have been reported to have inherited variants from asymptomatic or mildly affected mothers (PMIDs: 33298948, 35253988, 35227307). - Variants in this gene are known to have variable expressivity (OMIM). - Inheritance information for this variant is not currently available in this individual.

Literature cited by the submitters: PubMed 33298948; PubMed 35227307; PubMed 26833328; PubMed 35253988; PubMed 31443933.